The following is an entry in ClinVar:

ClinVar aggregate classification (germline): Uncertain significance (1 of 4 stars; one submission).

Conditions:
Fanconi anemia (FA). Also called: Fanconi's anemia. Identifiers: Orphanet 84, MedGen C0015625, MeSH D005199, MONDO:0019391.

Submission:

Labcorp Genetics (formerly Invitae), Labcorp
Classification: Uncertain significance for Fanconi anemia. Last evaluated: 2019-07-06. Review status: criteria provided, single submitter. Criteria: Invitae Variant Classification Sherloc (09022015). Collection method: clinical testing. Allele origin: germline.
Comment: In summary, the available evidence is currently insufficient to determine the role of this variant in disease. Therefore, it has been classified as a Variant of Uncertain Significance. Algorithms developed to predict the effect of missense changes on protein structure and function (SIFT, PolyPhen-2, Align-GVGD) all suggest that this variant is likely to be tolerated, but these predictions have not been confirmed by published functional studies and their clinical significance is uncertain. This variant has not been reported in the literature in individuals with FANCM-related conditions. This variant is not present in population databases (ExAC no frequency). This sequence change replaces valine with alanine at codon 489 of the FANCM protein (p.Val489Ala). The valine residue is highly conserved and there is a small physicochemical difference between valine and alanine.

NM_020937.4(FANCM):c.1466T>C (p.Val489Ala)

Gene: FANCM (FA complementation group M; plus strand). Cytogenetic location: 14q21.2.
Variant type: single nucleotide variant.
Coding change: c.1466T>C on transcript NM_020937.4 (MANE Select); coding-DNA position 1466, T replaced by C.
Protein change: p.Val489Ala; replaces valine 489 with alanine.
Molecular consequence: missense variant.
Genome position (GRCh38, 1-based): chr14:45,159,165, T>C. VCF-style: chr14-45159165-T-C. GRCh37 (hg19) VCF-style: chr14-45628368-T-C.
Other names: c.1388T>C, p.Val463Ala (NM_001308133.2); c.1466T>C, p.Val489Ala (NM_001308134.2); short protein forms V489A, V463A.
Identifiers: ClinVar variation 941667 (VCV000941667.9), dbSNP rs1887401440, ClinGen allele CA389592505.